The following is an entry in ClinVar:

ClinVar aggregate classification (germline): Uncertain significance (1 of 4 stars; one submission).

Allele frequency attached by ClinVar (database versions not stated): gnomAD exomes below 0.00001.
gnomAD v4.1: 1 of 1,594,106 alleles (0.000063%); highest among the groups gnomAD compares: South Asian, 0.0011%; no homozygotes.

Submission:

GeneDx
Classification: Uncertain significance. Last evaluated: 2020-07-09. Review status: criteria provided, single submitter. Criteria: GeneDx Variant Classification Process June 2021. Collection method: clinical testing. Allele origin: germline. Affected: yes.
Comment: Not observed in large population cohorts (Lek et al., 2016); Has not been previously published as pathogenic or benign to our knowledge; In-silico analysis, which includes splice predictors and evolutionary conservation, is inconclusive as to whether the variant alters gene splicing. In the absence of RNA/functional studies, the actual effect of this sequence change is unknown.

NM_144596.4(TTC8):c.799-6T>A

Gene: TTC8 (tetratricopeptide repeat domain 8; plus strand). Cytogenetic location: 14q31.3.
Variant type: single nucleotide variant.
Coding change: c.799-6T>A on transcript NM_144596.4 (MANE Select); 6 bases into the intron before coding-DNA position 799, T replaced by A.
Molecular consequence: intron variant.
Genome position (GRCh38, 1-based): chr14:88,861,216, T>A. VCF-style: chr14-88861216-T-A. GRCh37 (hg19) VCF-style: chr14-89327560-T-A.
Other names: c.205-6T>A (NM_001288782.1); c.847-6T>A (NM_001288781.1); c.769-6T>A (NM_198309.3, NM_001366535.2); c.82-6T>A (NM_001288783.1); c.679-6T>A (NM_198310.3, NM_001366536.2).
Identifiers: ClinVar variation 1313012 (VCV001313012.2), dbSNP rs2141016023, ClinGen allele CA2573053951.
Genomic context (GRCh38, chr14:88,861,216, plus strand): 5'-ATAAATGTCATAACAAATATTAATTTTAAGAACCTATACTTTTATTGAAATGTATCTTGT[T>A]TTTAGGTTTATGTCTCATTGGATCAACCTGTGACTGCTTTAAATCTTTTCAAACAAGGCT-3'